The following is an entry in ClinVar:

NC_000004.11:g.(5667377_5682986)_(5683041_5687096)del

Gene: EVC2 (EvC ciliary complex subunit 2; minus strand). Cytogenetic location: 4p16.2.
Variant type: Deletion.
Identifiers: ClinVar variation 4687170 (VCV004687170.1).

ClinVar aggregate classification (germline): Likely pathogenic (1 of 4 stars; one submission).

Conditions:
Ellis-van Creveld syndrome (EVC). Also called: Chondroectodermal dysplasia; EVC-Related Ellis-van Creveld Syndrome; EVC2-Related Ellis-van Creveld Syndrome; MESOECTODERMAL DYSPLASIA. Identifiers: Orphanet 289, MedGen C0013903, MONDO:0009162, OMIM 225500.

Submission:

Women's Health and Genetics/Laboratory Corporation of America, LabCorp
Classification: Likely pathogenic for Ellis-van Creveld syndrome. Last evaluated: 2025-10-20. Review status: criteria provided, single submitter. Criteria: LabCorp Variant Classification Summary - May 2015. Collection method: clinical testing. Allele origin: germline.
Comment: Variant summary: The variant involves the deletion of exon 7 in the EVC2 gene. A presumed nomenclature of c.(816+1_817-1)_(870+1_871-1)del has been designated for the purposes of this classification. This Copy Number Variant (CNV) is predicted to result in an in-frame deletion within this gene. Loss-of-function variants in this gene are known to be pathogenic. The variant was absent in 21692 control chromosomes. A similar CNV deletion has been observed in the compound heterozygous state in at least one individual(s) affected with autosomal recessive Ellis-van Creveld syndrome (internal data). To our knowledge, no experimental evidence demonstrating an impact on protein function has been reported. However, a missense variant within the deleted region has been determined to be likely pathogenic/pathogenic by our laboratory (p.Ile238Arg; PMID: 12571802), suggesting that loss of this region of the EVC2 protein is deleterious. ClinVar contains an entry for this variant (Variation ID: 3246623). Based on the evidence outlined above, the variant was classified as likely pathogenic.